The following is an entry in ClinVar:

NM_001194998.2(CEP152):c.862C>T (p.Arg288Ter)

Gene: CEP152 (centrosomal protein 152; minus strand). Cytogenetic location: 15q21.1.
Variant type: single nucleotide variant.
Coding change: c.862C>T on transcript NM_001194998.2 (MANE Select); coding-DNA position 862, C replaced by T.
Protein change: p.Arg288Ter; replaces arginine 288 with a stop codon.
Molecular consequence: nonsense.
Genome position (GRCh38, 1-based): chr15:48,791,347, G>A on the plus strand (C>T on the coding strand, the complement: CEP152 is on the minus strand). VCF-style: chr15-48791347-G-A. GRCh37 (hg19) VCF-style: chr15-49083544-G-A.
Other names: c.862C>T, p.Arg288Ter (NM_014985.4); short protein forms R288*.
Identifiers: ClinVar variation 2842858 (VCV002842858.3), dbSNP rs2504880509, ClinGen allele CA392356140.

ClinVar aggregate classification (germline): Pathogenic (1 of 4 stars; one submission).

Allele frequency attached by ClinVar (database versions not stated): gnomAD exomes below 0.00001.
gnomAD v4.1: 2 of 1,612,166 alleles (0.00012%); highest among the groups gnomAD compares: Non-Finnish European, 0.000085%; no homozygotes.

Submission:

Labcorp Genetics (formerly Invitae), Labcorp
Classification: Pathogenic. Last evaluated: 2023-06-14. Review status: criteria provided, single submitter. Criteria: Invitae Variant Classification Sherloc (09022015). Collection method: clinical testing. Allele origin: germline.
Comment: This sequence change creates a premature translational stop signal (p.Arg288*) in the CEP152 gene. It is expected to result in an absent or disrupted protein product. Loss-of-function variants in CEP152 are known to be pathogenic (PMID: 21131973). This variant is not present in population databases (gnomAD no frequency). This variant has not been reported in the literature in individuals affected with CEP152-related conditions. For these reasons, this variant has been classified as Pathogenic.

Literature cited by the submitters: PubMed 21131973.